The following is an entry in ClinVar:

NM_007118.4(TRIO):c.4282C>T (p.Arg1428Ter)

Gene: TRIO (trio Rho guanine nucleotide exchange factor; plus strand). Cytogenetic location: 5p15.2.
Variant type: single nucleotide variant.
Coding change: c.4282C>T on transcript NM_007118.4 (MANE Select); coding-DNA position 4282, C replaced by T.
Protein change: p.Arg1428Ter; replaces arginine 1428 with a stop codon.
Molecular consequence: nonsense. On other transcripts: non-coding transcript variant (1).
Genome position (GRCh38, 1-based): chr5:14,394,101, C>T. VCF-style: chr5-14394101-C-T. GRCh37 (hg19) VCF-style: chr5-14394210-C-T.
Other names: short protein forms R1428*.
Identifiers: ClinVar variation 1013245 (VCV001013245.40), dbSNP rs1747351128, ClinGen allele CA359233003.

ClinVar aggregate classification (germline): Pathogenic/Likely pathogenic. Review status: criteria provided, multiple submitters, no conflicts (2 of 4 stars). 2 submissions from 2 submitters: Pathogenic (1); Likely pathogenic (1). Last evaluated 2021-07-09.

Submissions (2):

GeneDx
Classification: Pathogenic. Last evaluated: 2021-07-09. Review status: criteria provided, single submitter. Criteria: GeneDx Variant Classification Process June 2021. Collection method: clinical testing. Allele origin: germline. Affected: yes.
Comment: Nonsense variant predicted to result in protein truncation or nonsense mediated decay in a gene for which loss-of-function is a known mechanism of disease; Not observed at significant frequency in large population cohorts (Lek et al., 2016); Has not been previously published as pathogenic or benign to our knowledge; This variant is associated with the following publications: (PMID: 27535533)

CeGaT Center for Human Genetics Tuebingen
Classification: Likely pathogenic. Last evaluated: 2021-01-01. Review status: criteria provided, single submitter. Criteria: CeGaT Center For Human Genetics Tuebingen Variant Classification Criteria Version 2. Collection method: clinical testing. Allele origin: germline. Affected: yes. Observed: 2 variant alleles.